The following is an entry in ClinVar:

ClinVar aggregate classification (germline): Uncertain significance (1 of 4 stars; one submission).

Conditions:
Familial cold autoinflammatory syndrome 3 (FCAS3). Also called: ANTIBODY DEFICIENCY AND IMMUNE DYSREGULATION, PLCG2-ASSOCIATED; FAMILIAL ATYPICAL COLD URTICARIA. Identifiers: Orphanet 300359, MedGen C3280914, MONDO:0013766, OMIM 614468.

gnomAD v4.1: 1 of 1,607,984 alleles (0.000062%); highest among the groups gnomAD compares: Non-Finnish European, 0.000085%; no homozygotes.

Submission:

Labcorp Genetics (formerly Invitae), Labcorp
Classification: Uncertain significance for Familial cold autoinflammatory syndrome 3. Last evaluated: 2024-06-25. Review status: criteria provided, single submitter. Criteria: Invitae Variant Classification Sherloc (09022015). Collection method: clinical testing. Allele origin: germline.
Comment: This sequence change replaces serine, which is neutral and polar, with cysteine, which is neutral and slightly polar, at codon 847 of the PLCG2 protein (p.Ser847Cys). This variant is not present in population databases (gnomAD no frequency). This variant has not been reported in the literature in individuals affected with PLCG2-related conditions. Algorithms developed to predict the effect of missense changes on protein structure and function output the following: SIFT: "Not Available"; PolyPhen-2: "Benign"; Align-GVGD: "Not Available". The cysteine amino acid residue is found in multiple mammalian species, which suggests that this missense change does not adversely affect protein function. In summary, the available evidence is currently insufficient to determine the role of this variant in disease. Therefore, it has been classified as a Variant of Uncertain Significance.

NM_002661.5(PLCG2):c.2540C>G (p.Ser847Cys)

Gene: PLCG2 (phospholipase C gamma 2; plus strand). Cytogenetic location: 16q23.3.
Variant type: single nucleotide variant.
Coding change: c.2540C>G on transcript NM_002661.5 (MANE Select); coding-DNA position 2540, C replaced by G.
Protein change: p.Ser847Cys; replaces serine 847 with cysteine.
Molecular consequence: missense variant.
Genome position (GRCh38, 1-based): chr16:81,928,583, C>G. VCF-style: chr16-81928583-C-G. GRCh37 (hg19) VCF-style: chr16-81962188-C-G.
Other names: c.2540C>G, p.Ser847Cys (NM_001425749.1, NM_001425750.1, NM_001425751.1); short protein forms S847C.
Identifiers: ClinVar variation 3657805 (VCV003657805.2).